The following is an entry in ClinVar:

NM_000540.3(RYR1):c.8505A>T (p.Glu2835Asp)

Genes: RYR1 (ryanodine receptor 1; plus strand), LOC126862902 (BRD4-independent group 4 enhancer GRCh37_chr19:38995830-38997029; plus strand). Cytogenetic location: 19q13.2.
Variant type: single nucleotide variant.
Coding change: c.8505A>T on transcript NM_000540.3 (MANE Select); coding-DNA position 8505, A replaced by T.
Protein change: p.Glu2835Asp; replaces glutamic acid 2835 with aspartic acid.
Molecular consequence: missense variant.
Genome position (GRCh38, 1-based): chr19:38,505,910, A>T. VCF-style: chr19-38505910-A-T. GRCh37 (hg19) VCF-style: chr19-38996550-A-T.
Other names: p.Glu2835Asp; c.8505A>T, p.Glu2835Asp (NM_001042723.2); short protein forms E2835D.
Identifiers: ClinVar variation 197960 (VCV000197960.53), dbSNP rs144777676, ClinGen allele CA024923.

ClinVar aggregate classification (germline): Conflicting classifications of pathogenicity. Review status: criteria provided, conflicting classifications (1 of 4 stars). 11 submissions from 10 submitters: Uncertain significance (10); Likely benign (1). Last evaluated 2026-01-12.

Conditions:
RYR1-related disorder. Also called: RYR1-related condition; RYR1-related disorders. Identifiers: MedGen CN239331.
Congenital myopathy with fiber type disproportion. Also called: Congenital fiber-type disproportion myopathy; Congenital fiber-type disproportion. Identifiers: Orphanet 2020, MedGen C0546264, MONDO:0009711. Inheritance: all.
Central core myopathy (CMYO1A). Also called: CONGENITAL MYOPATHY 1A, AUTOSOMAL DOMINANT, WITH SUSCEPTIBILITY TO MALIGNANT HYPERTHERMIA; Central core disease; Myopathy, central fibrillar. Identifiers: Orphanet 597, MedGen C5830701, MONDO:0007294, OMIM 117000.
Malignant hyperthermia, susceptibility to, 1 (MHS1). Also called: Anesthesia related hyperthermia; Malignant hyperpyrexia; Fulminating hyperpyrexia; Pharmacogenic myopathy; RYR1-Related Malignant Hyperthermia Susceptibility; Malignant hyperthermia suceptibility 1. Identifiers: Orphanet 423, MedGen C2930980, MONDO:0007783, OMIM 145600.
Congenital multicore myopathy with external ophthalmoplegia (CMYO1B). Also called: Minicore myopathy with external ophthalmoplegia; MULTICORE MYOPATHY; Congenital myopathy 1B, autosomal recessive; Minicore myopathy; MULTIMINICORE DISEASE WITH EXTERNAL OPHTHALMOPLEGIA. Identifiers: Orphanet 598, Orphanet 98905, MedGen C1850674, MONDO:0009712, OMIM 255320, HP:0003789.

Allele frequency attached by ClinVar (database versions not stated): gnomAD exomes 0.00013 and 0.00016; gnomAD 0.00014 and 0.00016; ESP Exome Variant Server 0.00015; TOPMed 0.00019; ExAC 0.00020.
gnomAD v4.1: 216 of 1,613,698 alleles (0.013%); highest among the groups gnomAD compares: Non-Finnish European, 0.018%; no homozygotes.

Submissions (11):

Labcorp Genetics (formerly Invitae), Labcorp
Classification: Likely benign for RYR1-related disorder. Last evaluated: 2026-01-12. Review status: criteria provided, single submitter. Criteria: Invitae Variant Classification Sherloc (09022015). Collection method: clinical testing. Allele origin: germline.

GeneDx
Classification: Uncertain significance. Last evaluated: 2025-09-09. Review status: criteria provided, single submitter. Criteria: GeneDx Variant Classification Process June 2021. Collection method: clinical testing. Allele origin: germline. Affected: yes.
Comment: In silico analysis suggests that this missense variant does not alter protein structure/function; Has not been previously published as pathogenic or benign to our knowledge; This variant is associated with the following publications: (PMID: 12668474)

Mayo Clinic Laboratories, Mayo Clinic
Classification: Uncertain significance. Last evaluated: 2025-08-07. Review status: criteria provided, single submitter. Criteria: ACMG Guidelines, 2015. Collection method: clinical testing. Allele origin: germline. Observed: 1 variant allele.

Revvity Omics, Revvity
Classification: Uncertain significance. Last evaluated: 2025-06-18. Review status: criteria provided, single submitter. Criteria: ACMG Guidelines, 2015. Collection method: clinical testing. Allele origin: germline.

CeGaT Center for Human Genetics Tuebingen
Classification: Uncertain significance. Last evaluated: 2024-08-01. Review status: criteria provided, single submitter. Criteria: CeGaT Center For Human Genetics Tuebingen Variant Classification Criteria Version 2. Collection method: clinical testing. Allele origin: germline. Affected: yes. Observed: 1 variant allele.
Comment: RYR1: PM2

Color Diagnostics, LLC DBA Color Health
Classification: Uncertain significance for Malignant hyperthermia, susceptibility to, 1. Last evaluated: 2024-04-01. Review status: criteria provided, single submitter. Criteria: ACMG Guidelines, 2015. Collection method: clinical testing. Allele origin: germline.
Comment: This missense variant replaces glutamic acid with aspartic acid at codon 2835 of the RYR1 protein. Computational prediction suggests that this variant may not impact protein structure and function. To our knowledge, functional studies have not been reported for this variant. This variant has not been reported in individuals affected with RYR1-related disorders in the literature. This variant has been identified in 43/282122 chromosomes in the general population by the Genome Aggregation Database (gnomAD). The available evidence is insufficient to determine the role of this variant in disease conclusively. Therefore, this variant is classified as a Variant of Uncertain Significance.

Fulgent Genetics
Classification: Uncertain significance for Central core myopathy; Malignant hyperthermia, susceptibility to, 1; Congenital myopathy 4A, autosomal dominant; Congenital multicore myopathy with external ophthalmoplegia. Last evaluated: 2018-10-31. Review status: criteria provided, single submitter. Criteria: ACMG Guidelines, 2015. Collection method: clinical testing. Allele origin: unknown.

Illumina Laboratory Services, Illumina
Classification: Uncertain significance for Malignant hyperthermia, susceptibility to, 1. Last evaluated: 2018-01-13. Review status: criteria provided, single submitter. Criteria: ICSL Variant Classification Criteria 13 December 2019. Collection method: clinical testing. Allele origin: germline.

Illumina Laboratory Services, Illumina
Classification: Uncertain significance for Congenital multicore myopathy with external ophthalmoplegia. Last evaluated: 2018-01-13. Review status: criteria provided, single submitter. Criteria: ICSL Variant Classification Criteria 13 December 2019. Collection method: clinical testing. Allele origin: germline.

Baylor Genetics
Classification: Uncertain significance for Central core myopathy. Last evaluated: 2017-09-01. Review status: criteria provided, single submitter. Criteria: ACMG Guidelines, 2015. Collection method: clinical testing. Allele origin: maternal. Inheritance: Autosomal unknown. Affected: yes.
Comment: Heterozygotes would be expected to be asymptomatic carriers.

Eurofins Ntd Llc (ga)
Classification: Uncertain significance. Last evaluated: 2014-11-17. Review status: criteria provided, single submitter. Criteria: EGL Classification Definitions 2015. Collection method: clinical testing. Allele origin: germline. Observed: 2 variant alleles, 2 heterozygotes.

Literature cited by the submitters: PubMed 25326635 (cited by Baylor Genetics).